The following is an entry in ClinVar:

NM_030665.4(RAI1):c.1966A>G (p.Ser656Gly)

Gene: RAI1 (retinoic acid induced 1; plus strand). Cytogenetic location: 17p11.2.
Variant type: single nucleotide variant.
Coding change: c.1966A>G on transcript NM_030665.4 (MANE Select); coding-DNA position 1966, A replaced by G.
Protein change: p.Ser656Gly; replaces serine 656 with glycine.
Molecular consequence: missense variant.
Genome position (GRCh38, 1-based): chr17:17,794,914, A>G. VCF-style: chr17-17794914-A-G. GRCh37 (hg19) VCF-style: chr17-17698228-A-G.
Other names: short protein forms S656G.
Identifiers: ClinVar variation 3355818 (VCV003355818.1).
Genomic context (GRCh38, chr17:17,794,914, plus strand): 5'-AGCAGCAAGCCACCCTTCTCGCTGGAGAACCACAGCGCCTGCCTGGACTCTGTGGCCAAG[A>G]GTGCGTGGCCCCGGCCTGGGGAGCCGGAGGCCCTGCCCGACTCCTTGCAGCTGGACAAGG-3'
Protein context (NP_109590.3, residues 646-666): HSACLDSVAK[Ser656Gly]AWPRPGEPEA

ClinVar aggregate classification (germline): Uncertain significance (0 of 4 stars; one submission).

Conditions:
RAI1-related disorder. Also called: RAI1-related condition.

Submission:

PreventionGenetics, part of Exact Sciences
Classification: Uncertain significance for RAI1-related condition. Last evaluated: 2024-04-17. Review status: no assertion criteria provided. Collection method: clinical testing. Allele origin: germline.
Comment: The RAI1 c.1966A>G variant is predicted to result in the amino acid substitution p.Ser656Gly. To our knowledge, this variant has not been reported in the literature or in a large population database, indicating this variant is rare. At this time, the clinical significance of this variant is uncertain due to the absence of conclusive functional and genetic evidence.